The following is an entry in ClinVar:

ClinVar aggregate classification (germline): Uncertain significance. Review status: criteria provided, multiple submitters, no conflicts (2 of 4 stars). 2 submissions from 2 submitters: Uncertain significance (2). Last evaluated 2024-12-17.

Conditions:
Hereditary cancer-predisposing syndrome. Also called: Hereditary Cancer Syndrome; Tumor predisposition; Hereditary neoplastic syndrome; Neoplastic Syndromes, Hereditary. Identifiers: Orphanet 140162, MedGen C0027672, MeSH D009386, MONDO:0015356.
Renal cell carcinoma. Identifiers: Orphanet 217071, MedGen C0007134, MeSH D002292, MONDO:0005086, HP:0005584.

Submissions (2):

Ambry Genetics
Classification: Uncertain significance for Hereditary cancer-predisposing syndrome. Last evaluated: 2024-12-17. Review status: criteria provided, single submitter. Criteria: Ambry Variant Classification Scheme 2023. Collection method: clinical testing. Allele origin: germline.
Comment: The p.V1236A variant (also known as c.3707T>C), located in coding exon 18 of the MET gene, results from a T to C substitution at nucleotide position 3707. The valine at codon 1236 is replaced by alanine, an amino acid with similar properties. This amino acid position is conserved. In addition, this alteration is predicted to be deleterious by in silico analysis. Based on the available evidence, the clinical significance of this variant remains unclear.

Labcorp Genetics (formerly Invitae), Labcorp
Classification: Uncertain significance for Renal cell carcinoma. Last evaluated: 2023-12-26. Review status: criteria provided, single submitter. Criteria: Invitae Variant Classification Sherloc (09022015). Collection method: clinical testing. Allele origin: germline.
Comment: This sequence change replaces valine, which is neutral and non-polar, with alanine, which is neutral and non-polar, at codon 1236 of the MET protein (p.Val1236Ala). This variant is not present in population databases (gnomAD no frequency). This variant has not been reported in the literature in individuals affected with MET-related conditions. ClinVar contains an entry for this variant (Variation ID: 1055119). Advanced modeling of protein sequence and biophysical properties (such as structural, functional, and spatial information, amino acid conservation, physicochemical variation, residue mobility, and thermodynamic stability) performed at Invitae indicates that this missense variant is not expected to disrupt MET protein function with a negative predictive value of 80%. In summary, the available evidence is currently insufficient to determine the role of this variant in disease. Therefore, it has been classified as a Variant of Uncertain Significance.

NM_000245.4(MET):c.3653T>C (p.Val1218Ala)

Gene: MET (MET proto-oncogene, receptor tyrosine kinase; plus strand). Cytogenetic location: 7q31.2.
Variant type: single nucleotide variant.
Coding change: c.3653T>C on transcript NM_000245.4 (MANE Select); coding-DNA position 3653, T replaced by C.
Protein change: p.Val1218Ala; replaces valine 1218 with alanine.
Molecular consequence: missense variant.
Genome position (GRCh38, 1-based): chr7:116,783,324, T>C. VCF-style: chr7-116783324-T-C. GRCh37 (hg19) VCF-style: chr7-116423378-T-C.
Other names: c.3707T>C, p.Val1236Ala (NM_001127500.3); c.2363T>C, p.Val788Ala (NM_001324402.2); c.3707T>C (NM_001127500.1); short protein forms V1218A, V1236A, V788A.
Identifiers: ClinVar variation 1055119 (VCV001055119.10), dbSNP rs1191381216, ClinGen allele CA368991451.